The following is an entry in ClinVar:

NM_000091.5(COL4A3):c.3561_3562del (p.Gln1188fs)

Genes: MFF-DT (MFF divergent transcript; minus strand), COL4A3 (collagen type IV alpha 3 chain; plus strand). Cytogenetic location: 2q36.3.
Variant type: Deletion.
Coding change: c.3561_3562del on transcript NM_000091.5 (MANE Select); coding-DNA positions 3561 to 3562, 2 bases deleted (TC; older notation c.3561_3562delTC).
Protein change: p.Gln1188fs; shifts the reading frame from glutamine 1188.
Molecular consequence: frameshift variant.
Genome position (GRCh38, 1-based): chr2:227,295,312-227,295,313, TC deleted; deleting any 2 consecutive bases within chr2:227,295,311-227,295,313 gives the same sequence; the c. name uses the placement nearest the transcript's 3' end. VCF-style (leftmost placement, unchanged base first): chr2-227295310-GCT-G. GRCh37 (hg19) VCF-style: chr2-228160026-GCT-G.
Other names: short protein forms Q1188fs.
Identifiers: ClinVar variation 1724239 (VCV001724239.2), dbSNP rs2469865930, ClinGen allele CA2580065928.
Genomic context (GRCh38, chr2:227,295,310, plus strand): 5'-CCAAGATTATCTCTTTCAGGTTTATTGAGGGCCCCTCCAGGCCCAAGAGGGAACCCTGGT[GCT>G]CAAGGTAAGCAGTTCTTCTTCCCTGTCCTAATGTACACATTTTCAAGGAGAGAAAGCAGT-3'

ClinVar aggregate classification (germline): Likely pathogenic (1 of 4 stars; one submission).

Conditions:
Autosomal recessive Alport syndrome (ATS2). Also called: COL4A3-Related Nephropathy; COL4A4 Alport Syndrome and Thin Basement Membrane Nephropathy; ALPORT SYNDROME 2, AUTOSOMAL RECESSIVE; Alport syndrome type 2. Identifiers: Orphanet 63, Orphanet 88919, MedGen C4746745, MONDO:0008762, OMIM 203780.

Submission:

Myriad Genetics, Inc.
Classification: Likely pathogenic for Autosomal recessive Alport syndrome. Last evaluated: 2022-02-02. Review status: criteria provided, single submitter. Criteria: Myriad Women's Health Autosomal Recessive and X-Linked Classification Criteria (2021). Collection method: clinical testing. Allele origin: unknown.
Comment: NM_000091.4(COL4A3):c.3561_3562delTC(Q1188Rfs*120) is expected to be pathogenic in the context of COL4A3-related Alport syndrome. This variant is predicted to lead to an abnormal or absent protein product due to the creation of a premature termination codon in COL4A3, a gene where loss-of-function variants are known to be pathogenic. Please note: this variant was assessed in the context of healthy population screening.